The following is an entry in ClinVar:

NM_001374353.1(GLI2):c.*31G>A

Gene: GLI2 (GLI family zinc finger 2; plus strand). Cytogenetic location: 2q14.2.
Variant type: single nucleotide variant.
Coding change: c.*31G>A on transcript NM_001374353.1 (MANE Select); 31 bases downstream of the stop codon, G replaced by A.
Molecular consequence: 3 prime UTR variant.
Genome position (GRCh38, 1-based): chr2:120,990,706, G>A. VCF-style: chr2-120990706-G-A. GRCh37 (hg19) VCF-style: chr2-121748282-G-A.
Other names: c.*31G>A (NM_001371271.1, NM_001374354.1, NM_005270.5).
Identifiers: ClinVar variation 330999 (VCV000330999.6), dbSNP rs377195281, ClinGen allele CA1852700.

ClinVar aggregate classification (germline): Likely benign. Review status: criteria provided, multiple submitters, no conflicts (2 of 4 stars). 2 submissions from 2 submitters: Likely benign (2). Last evaluated 2018-01-13.

Conditions:
Holoprosencephaly 9 (HPE9). Also called: PITUITARY ANOMALIES WITH HOLOPROSENCEPHALY-LIKE FEATURES; HOLOPROSENCEPHALY WITH MICROPHTHALMIA AND FIRST BRANCHIAL ARCH ANOMALIES. Identifiers: Orphanet 2162, MedGen C1835819, MONDO:0012563, OMIM 610829.

Allele frequency attached by ClinVar (database versions not stated): ESP Exome Variant Server 0.00008; gnomAD exomes 0.00014 and 0.00021; 1000 Genomes Project 30x 0.00078; gnomAD 0.00004 and 0.00009; TOPMed 0.00006; ExAC 0.00026; 1000 Genomes Project 0.00100.
gnomAD v4.1: 218 of 1,582,616 alleles (0.014%); highest among the groups gnomAD compares: Middle Eastern, 0.13%; 2 homozygotes.

Submissions (2):

Illumina Laboratory Services, Illumina
Classification: Likely benign for Holoprosencephaly 9. Last evaluated: 2018-01-13. Review status: criteria provided, single submitter. Criteria: ICSL Variant Classification Criteria 13 December 2019. Collection method: clinical testing. Allele origin: germline.
Comment: This variant was observed in the ICSL laboratory as part of a predisposition screen in an ostensibly healthy population. It had not been previously curated by ICSL or reported in the Human Gene Mutation Database (HGMD: prior to June 1st, 2018), and was therefore a candidate for classification through an automated scoring system. Utilizing variant allele frequency, disease prevalence and penetrance estimates, and inheritance mode, an automated score was calculated to assess if this variant is too frequent to cause the disease. Based on the score and internal cut-off values, a variant classified as likely benign is not then subjected to further curation. The score for this variant resulted in a classification of likely benign for this disease.

Breakthrough Genomics
Classification: Likely benign. Review status: criteria provided, single submitter. Criteria: ACMG Guidelines, 2015. Collection method: not provided. Allele origin: germline. Inheritance: Autosomal dominant inheritance. Affected: yes.